The following is an entry in ClinVar:

NM_001005373.4(LRSAM1):c.368T>C (p.Ile123Thr)

Gene: LRSAM1 (leucine rich repeat and sterile alpha motif containing 1; plus strand). Cytogenetic location: 9q33.3.
Variant type: single nucleotide variant.
Coding change: c.368T>C on transcript NM_001005373.4 (MANE Select); coding-DNA position 368, T replaced by C.
Protein change: p.Ile123Thr; replaces isoleucine 123 with threonine.
Molecular consequence: missense variant. On other transcripts: 5 prime UTR variant (1), non-coding transcript variant (2).
Genome position (GRCh38, 1-based): chr9:127,461,219, T>C. VCF-style: chr9-127461219-T-C. GRCh37 (hg19) VCF-style: chr9-130223498-T-C.
Other names: p.Ile123Thr; c.368T>C, p.Ile123Thr (NM_001005374.4, NM_001190723.3, NM_001384142.1 and 2 more transcripts); c.-417T>C (NM_001384144.1); c.368T>C (NM_138361.4); short protein forms I123T.
Identifiers: ClinVar variation 938816 (VCV000938816.10), dbSNP rs542497718, ClinGen allele CA5246521.
Genomic context (GRCh38, chr9:127,461,219, plus strand): 5'-TTCCTCTTTCTTAGGTCTTAAACGTGGAAAGGAATCAACTGATGCAGCTCCCACGTTCCA[T>C]TGGGAACCTGACCCAGCTCCAGACTCTCAATGTTAAAGGTAGGGACCAAGAAGCCGTGTC-3'
Protein context (NP_001005373.1, residues 113-133): RNQLMQLPRS[Ile123Thr]GNLTQLQTLN

ClinVar aggregate classification (germline): Uncertain significance. Review status: criteria provided, multiple submitters, no conflicts (2 of 4 stars). 3 submissions from 3 submitters: Uncertain significance (3). Last evaluated 2025-08-14.

Conditions:
Inborn genetic diseases. Identifiers: MedGen C0950123, MeSH D030342.
Charcot-Marie-Tooth disease axonal type 2P. Also called: CHARCOT-MARIE-TOOTH NEUROPATHY, TYPE 2P; CHARCOT-MARIE-TOOTH DISEASE, AXONAL, TYPE 2G; CMT 2G; Charcot-Marie-Tooth Neuropathy Type 2G. Identifiers: Orphanet 300319, Orphanet 99941, MedGen C3280797, MONDO:0013753, OMIM 614436.

Allele frequency attached by ClinVar (database versions not stated): gnomAD 0.00005 and 0.00006; TOPMed 0.00005; 1000 Genomes Project 30x 0.00031; 1000 Genomes Project 0.00040.
gnomAD v4.1: 67 of 1,612,080 alleles (0.0042%); highest among the groups gnomAD compares: African/African-American, 0.012%; no homozygotes.

Submissions (3):

Mayo Clinic Laboratories, Mayo Clinic
Classification: Uncertain significance. Last evaluated: 2025-08-14. Review status: criteria provided, single submitter. Criteria: ACMG Guidelines, 2015. Collection method: clinical testing. Allele origin: germline. Observed: 1 variant allele.
Comment: BP4_moderate

Labcorp Genetics (formerly Invitae), Labcorp
Classification: Uncertain significance for Charcot-Marie-Tooth disease axonal type 2P. Last evaluated: 2024-03-07. Review status: criteria provided, single submitter. Criteria: Invitae Variant Classification Sherloc (09022015). Collection method: clinical testing. Allele origin: germline.
Comment: This sequence change replaces isoleucine, which is neutral and non-polar, with threonine, which is neutral and polar, at codon 123 of the LRSAM1 protein (p.Ile123Thr). This variant is present in population databases (rs542497718, gnomAD 0.02%). This variant has not been reported in the literature in individuals affected with LRSAM1-related conditions. ClinVar contains an entry for this variant (Variation ID: 938816). Advanced modeling of protein sequence and biophysical properties (such as structural, functional, and spatial information, amino acid conservation, physicochemical variation, residue mobility, and thermodynamic stability) performed at Invitae indicates that this missense variant is not expected to disrupt LRSAM1 protein function with a negative predictive value of 80%. In summary, the available evidence is currently insufficient to determine the role of this variant in disease. Therefore, it has been classified as a Variant of Uncertain Significance.

Ambry Genetics
Classification: Uncertain significance for Inborn genetic diseases. Last evaluated: 2023-03-22. Review status: criteria provided, single submitter. Criteria: Ambry Variant Classification Scheme 2023. Collection method: clinical testing. Allele origin: germline.
Comment: Unlikely to be causative of LRSAM1-related Charcot-Marie-Tooth disease, type 2 (AD) Based on insufficient or conflicting evidence, the clinical significance of this alteration remains unclear.